The following is an entry in ClinVar:

ClinVar aggregate classification (germline): Uncertain significance (1 of 4 stars; one submission).

Allele frequency attached by ClinVar (database versions not stated): gnomAD exomes below 0.00001; ExAC 0.00001; gnomAD 0.00001; TOPMed 0.00001.

Submission:

Labcorp Genetics (formerly Invitae), Labcorp
Classification: Uncertain significance. Last evaluated: 2023-11-29. Review status: criteria provided, single submitter. Criteria: Invitae Variant Classification Sherloc (09022015). Collection method: clinical testing. Allele origin: germline.
Comment: This sequence change replaces proline, which is neutral and non-polar, with serine, which is neutral and polar, at codon 289 of the GNAT1 protein (p.Pro289Ser). This variant is present in population databases (rs773704753, gnomAD 0.0009%). This variant has not been reported in the literature in individuals affected with GNAT1-related conditions. An algorithm developed to predict the effect of missense changes on protein structure and function (PolyPhen-2) suggests that this variant is likely to be tolerated. In summary, the available evidence is currently insufficient to determine the role of this variant in disease. Therefore, it has been classified as a Variant of Uncertain Significance.

NM_144499.3(GNAT1):c.865C>T (p.Pro289Ser)

Gene: GNAT1 (G protein subunit alpha transducin 1; plus strand). Cytogenetic location: 3p21.31.
Variant type: single nucleotide variant.
Coding change: c.865C>T on transcript NM_144499.3 (MANE Select); coding-DNA position 865, C replaced by T.
Protein change: p.Pro289Ser; replaces proline 289 with serine.
Molecular consequence: missense variant.
Genome position (GRCh38, 1-based): chr3:50,194,767, C>T. VCF-style: chr3-50194767-C-T. GRCh37 (hg19) VCF-style: chr3-50232200-C-T.
Other names: c.865C>T, p.Pro289Ser (NM_000172.4); short protein forms P289S.
Identifiers: ClinVar variation 2805371 (VCV002805371.3), dbSNP rs773704753, ClinGen allele CA2412752.